The following is an entry in ClinVar:

NM_006031.6(PCNT):c.2264T>C (p.Met755Thr)

Gene: PCNT (pericentrin; plus strand). Cytogenetic location: 21q22.3.
Variant type: single nucleotide variant.
Coding change: c.2264T>C on transcript NM_006031.6 (MANE Select); coding-DNA position 2264, T replaced by C.
Protein change: p.Met755Thr; replaces methionine 755 with threonine.
Molecular consequence: missense variant.
Genome position (GRCh38, 1-based): chr21:46,363,589, T>C. VCF-style: chr21-46363589-T-C. GRCh37 (hg19) VCF-style: chr21-47783504-T-C.
Other names: c.1910T>C, p.Met637Thr (NM_001315529.2); short protein forms M637T, M755T.
Identifiers: ClinVar variation 3353891 (VCV003353891.1).

ClinVar aggregate classification (germline): Uncertain significance (0 of 4 stars; one submission).

Conditions:
PCNT-related disorder. Also called: PCNT-related condition.

gnomAD v4.1: 5 of 1,614,006 alleles (0.00031%); highest among the groups gnomAD compares: African/African-American, 0.004%; no homozygotes.

Submission:

PreventionGenetics, part of Exact Sciences
Classification: Uncertain significance for PCNT-related condition. Last evaluated: 2024-06-28. Review status: no assertion criteria provided. Collection method: clinical testing. Allele origin: germline.
Comment: The PCNT c.2264T>C variant is predicted to result in the amino acid substitution p.Met755Thr. To our knowledge, this variant has not been reported in the literature. This variant is reported in 0.011% of alleles in individuals of African descent in gnomAD. At this time, the clinical significance of this variant is uncertain due to the absence of conclusive functional and genetic evidence.